The following is an entry in ClinVar:

NM_206933.4(USH2A):c.8135G>A (p.Ser2712Asn)

Gene: USH2A (usherin; minus strand). Cytogenetic location: 1q41.
Variant type: single nucleotide variant.
Coding change: c.8135G>A on transcript NM_206933.4 (MANE Select); coding-DNA position 8135, G replaced by A.
Protein change: p.Ser2712Asn; replaces serine 2712 with asparagine.
Molecular consequence: missense variant.
Genome position (GRCh38, 1-based): chr1:215,888,514, C>T on the plus strand (G>A on the coding strand, the complement: USH2A is on the minus strand). VCF-style: chr1-215888514-C-T. GRCh37 (hg19) VCF-style: chr1-216061856-C-T.
Other names: short protein forms S2712N.
Identifiers: ClinVar variation 4854739 (VCV004854739.2).

ClinVar aggregate classification (germline): Uncertain significance. Review status: criteria provided, multiple submitters, no conflicts (2 of 4 stars). 2 submissions from 2 submitters: Uncertain significance (2). Last evaluated 2025-08-05.

Conditions:
Usher syndrome type 2A. Also called: USHER SYNDROME, TYPE IIA; RETINAL DISEASE IN USHER SYNDROME TYPE IIA, MODIFIER OF. Identifiers: Orphanet 231178, Orphanet 886, MedGen C1848634, MONDO:0010169, OMIM 276901.

gnomAD v4.1: 4 of 1,614,176 alleles (0.00025%); highest among the groups gnomAD compares: South Asian, 0.0011%; no homozygotes.

Submissions (2):

3billion
Classification: Uncertain significance for Usher syndrome type 2A. Last evaluated: 2025-08-05. Review status: criteria provided, single submitter. Criteria: ACMG Guidelines, 2015. Collection method: clinical testing. Allele origin: germline. Affected: yes.
Comment: The variant is observed at an extremely low frequency in the gnomAD v4.1.0 dataset (total allele frequency: <0.001%). Predicted Consequence/Location: Missense variant Therefore, this variant is classified as VUS according to the recommendation of ACMG/AMP guideline.

Blueprint Genetics
Classification: Uncertain significance. Last evaluated: 2024-11-13. Review status: criteria provided, single submitter. Criteria: ACMG Guidelines, 2015. Collection method: clinical testing. Allele origin: germline.